The following is an entry in ClinVar:

NM_001126121.2(SLC25A19):c.246C>T (p.His82=)

Gene: SLC25A19 (solute carrier family 25 member 19; minus strand). Cytogenetic location: 17q25.1.
Variant type: single nucleotide variant.
Coding change: c.246C>T on transcript NM_001126121.2 (MANE Select); coding-DNA position 246, C replaced by T.
Protein change: p.His82=; no amino-acid change (histidine 82 retained).
Molecular consequence: synonymous variant.
Genome position (GRCh38, 1-based): chr17:75,286,346, G>A on the plus strand (C>T on the coding strand, the complement: SLC25A19 is on the minus strand). VCF-style: chr17-75286346-G-A. GRCh37 (hg19) VCF-style: chr17-73282427-G-A.
Other names: p.His82=; c.246C>T, p.His82= (NM_001126122.2, NM_021734.5).
Identifiers: ClinVar variation 325067 (VCV000325067.9), dbSNP rs535476833, ClinGen allele CA8761059.

ClinVar aggregate classification (germline): Conflicting classifications of pathogenicity. Review status: criteria provided, conflicting classifications (1 of 4 stars). 4 submissions from 4 submitters: Uncertain significance (1); Benign (1); Likely benign (2). Last evaluated 2025-03-06.

Conditions:
Amish lethal microcephaly (MCPHA). Also called: THIAMINE METABOLISM DYSFUNCTION SYNDROME 3 (MICROCEPHALY TYPE); MICROCEPHALY, AMISH TYPE. Identifiers: Orphanet 99742, MedGen C1846648, MONDO:0011790, OMIM 607196.

Allele frequency attached by ClinVar (database versions not stated): gnomAD below 0.00001 and 0.00002; TOPMed 0.00001; 1000 Genomes Project 30x 0.00016; gnomAD exomes 0.00016 and 0.00030; 1000 Genomes Project 0.00020; ExAC 0.00030.
gnomAD v4.1: 240 of 1,614,102 alleles (0.015%); highest among the groups gnomAD compares: South Asian, 0.21%; 2 homozygotes.

Submissions (4):

Mayo Clinic Laboratories, Mayo Clinic
Classification: Likely benign. Last evaluated: 2025-03-06. Review status: criteria provided, single submitter. Criteria: ACMG Guidelines, 2015. Collection method: clinical testing. Allele origin: germline. Observed: 1 variant allele.
Comment: BP4, BP7

Labcorp Genetics (formerly Invitae), Labcorp
Classification: Benign. Last evaluated: 2023-06-16. Review status: criteria provided, single submitter. Criteria: Invitae Variant Classification Sherloc (09022015). Collection method: clinical testing. Allele origin: germline.

Illumina Laboratory Services, Illumina
Classification: Uncertain significance for Amish lethal microcephaly. Last evaluated: 2018-01-12. Review status: criteria provided, single submitter. Criteria: ICSL Variant Classification Criteria 13 December 2019. Collection method: clinical testing. Allele origin: germline.

GeneDx
Classification: Likely benign. Last evaluated: 2017-05-22. Review status: criteria provided, single submitter. Criteria: GeneDx Variant Classification (06012015). Collection method: clinical testing. Allele origin: germline. Affected: yes.
Comment: This variant is considered likely benign or benign based on one or more of the following criteria: it is a conservative change, it occurs at a poorly conserved position in the protein, it is predicted to be benign by multiple in silico algorithms, and/or has population frequency not consistent with disease.